The following is an entry in ClinVar:

ClinVar aggregate classification (germline): Benign. Review status: criteria provided, multiple submitters, no conflicts (2 of 4 stars). 2 submissions from 2 submitters: Benign (2). Last evaluated 2018-06-14.

Allele frequency attached by ClinVar (database versions not stated): TOPMed 0.10487; 1000 Genomes Project 30x 0.09041; 1000 Genomes Project 0.09285; gnomAD 0.10165.
gnomAD v4.1: 101,571 of 825,496 alleles (12%); highest among the groups gnomAD compares: Middle Eastern, 20%; 6,903 homozygotes.

Submissions (2):

GeneDx
Classification: Benign. Last evaluated: 2018-06-14. Review status: criteria provided, single submitter. Criteria: GeneDx Variant Classification (06012015). Collection method: clinical testing. Allele origin: germline. Affected: yes.
Comment: This variant is considered likely benign or benign based on one or more of the following criteria: it is a conservative change, it occurs at a poorly conserved position in the protein, it is predicted to be benign by multiple in silico algorithms, and/or has population frequency not consistent with disease.

Breakthrough Genomics
Classification: Benign. Review status: criteria provided, single submitter. Criteria: ACMG Guidelines, 2015. Collection method: not provided. Allele origin: germline. Inheritance: Autosomal recessive inheritance. Affected: yes.

NM_015346.4(ZFYVE26):c.6011+147G>C

Gene: ZFYVE26 (zinc finger FYVE-type containing 26; minus strand). Cytogenetic location: 14q24.1.
Variant type: single nucleotide variant.
Coding change: c.6011+147G>C on transcript NM_015346.4 (MANE Select); 147 bases into the intron after coding-DNA position 6011, G replaced by C.
Molecular consequence: intron variant.
Genome position (GRCh38, 1-based): chr14:67,766,080, C>G on the plus strand (G>C on the coding strand, the complement: ZFYVE26 is on the minus strand). VCF-style: chr14-67766080-C-G. GRCh37 (hg19) VCF-style: chr14-68232797-C-G.
Identifiers: ClinVar variation 672761 (VCV000672761.2), dbSNP rs17782871, ClinGen allele CA16492457.